The following is an entry in ClinVar:

NM_000264.5(PTCH1):c.4270G>T (p.Asp1424Tyr)

Gene: PTCH1 (patched 1; minus strand). Cytogenetic location: 9q22.32.
Variant type: single nucleotide variant.
Coding change: c.4270G>T on transcript NM_000264.5 (MANE Select); coding-DNA position 4270, G replaced by T.
Protein change: p.Asp1424Tyr; replaces aspartic acid 1424 with tyrosine.
Molecular consequence: missense variant. On other transcripts: non-coding transcript variant (1).
Genome position (GRCh38, 1-based): chr9:95,446,986, C>A on the plus strand (G>T on the coding strand, the complement: PTCH1 is on the minus strand). VCF-style: chr9-95446986-C-A. GRCh37 (hg19) VCF-style: chr9-98209268-C-A.
Other names: c.4072G>T, p.Asp1358Tyr (NM_001083602.3); c.4267G>T, p.Asp1423Tyr (NM_001083603.3); c.3817G>T, p.Asp1273Tyr (NM_001083604.3, NM_001083605.3, NM_001083606.3 and 1 more transcripts); c.4114G>T, p.Asp1372Tyr (NM_001354918.2); short protein forms D1273Y, D1358Y, D1424Y, D1423Y, D1372Y.
Identifiers: ClinVar variation 864648 (VCV000864648.10), dbSNP rs1837962537, ClinGen allele CA374109987.

ClinVar aggregate classification (germline): Uncertain significance (1 of 4 stars; one submission).

Conditions:
Gorlin syndrome. Also called: Nevoid Basal Cell Carcinoma Syndrome; Basal cell nevus syndrome. Identifiers: Orphanet 377, MedGen C0004779, MONDO:0007187.

Submission:

Labcorp Genetics (formerly Invitae), Labcorp
Classification: Uncertain significance for Gorlin syndrome. Last evaluated: 2023-09-06. Review status: criteria provided, single submitter. Criteria: Invitae Variant Classification Sherloc (09022015). Collection method: clinical testing. Allele origin: germline.
Comment: This sequence change replaces aspartic acid, which is acidic and polar, with tyrosine, which is neutral and polar, at codon 1424 of the PTCH1 protein (p.Asp1424Tyr). This variant is not present in population databases (gnomAD no frequency). This variant has not been reported in the literature in individuals affected with PTCH1-related conditions. ClinVar contains an entry for this variant (Variation ID: 864648). Advanced modeling of protein sequence and biophysical properties (such as structural, functional, and spatial information, amino acid conservation, physicochemical variation, residue mobility, and thermodynamic stability) performed at Invitae indicates that this missense variant is not expected to disrupt PTCH1 protein function. In summary, the available evidence is currently insufficient to determine the role of this variant in disease. Therefore, it has been classified as a Variant of Uncertain Significance.